The following is an entry in ClinVar:

ClinVar aggregate classification (germline): Uncertain significance (1 of 4 stars; one submission).

Allele frequency attached by ClinVar (database versions not stated): gnomAD exomes below 0.00001; gnomAD 0.00001 and 0.00002.
gnomAD v4.1: 4 of 992,070 alleles (0.0004%); highest among the groups gnomAD compares: Non-Finnish European, 0.00048%; no homozygotes.

Submission:

Labcorp Genetics (formerly Invitae), Labcorp
Classification: Uncertain significance. Last evaluated: 2021-05-01. Review status: criteria provided, single submitter. Criteria: Invitae Variant Classification Sherloc (09022015). Collection method: clinical testing. Allele origin: germline.
Comment: In summary, the available evidence is currently insufficient to determine the role of this variant in disease. Therefore, it has been classified as a Variant of Uncertain Significance. Algorithms developed to predict the effect of missense changes on protein structure and function are either unavailable or do not agree on the potential impact of this missense change (SIFT: "Tolerated"; PolyPhen-2: "Not Available"; Align-GVGD: "Class C0"). This variant has not been reported in the literature in individuals with ZSWIM6-related conditions. The frequency data for this variant in the population databases is considered unreliable, as metrics indicate insufficient coverage at this position in the ExAC database. This sequence change replaces proline with serine at codon 46 of the ZSWIM6 protein (p.Pro46Ser). The proline residue is weakly conserved and there is a moderate physicochemical difference between proline and serine.

NM_020928.2(ZSWIM6):c.136C>T (p.Pro46Ser)

Gene: ZSWIM6 (zinc finger SWIM-type containing 6; plus strand). Cytogenetic location: 5q12.1.
Variant type: single nucleotide variant.
Coding change: c.136C>T on transcript NM_020928.2 (MANE Select); coding-DNA position 136, C replaced by T.
Protein change: p.Pro46Ser; replaces proline 46 with serine.
Molecular consequence: missense variant.
Genome position (GRCh38, 1-based): chr5:61,332,408, C>T. VCF-style: chr5-61332408-C-T. GRCh37 (hg19) VCF-style: chr5-60628235-C-T.
Other names: short protein forms P46S.
Identifiers: ClinVar variation 1486139 (VCV001486139.8), dbSNP rs1483697647, ClinGen allele CA359940058.